The following is an entry in ClinVar:

NM_000116.5(TAFAZZIN):c.700-1del

Gene: TAFAZZIN (tafazzin, phospholipid-lysophospholipid transacylase; plus strand). Cytogenetic location: Xq28.
Variant type: Deletion.
Coding change: c.700-1del on transcript NM_000116.5 (MANE Select); the canonical splice acceptor site of the intron before coding-DNA position 700, one base deleted (G; older notation c.700-1delG).
Molecular consequence: splice acceptor variant.
Genome position (GRCh38, 1-based): chrX:154,420,657, G deleted. VCF-style (leftmost placement, unchanged base first): chrX-154420656-AG-A. GRCh37 (hg19) VCF-style: chrX-153648995-AG-A.
Other names: c.664-1del (NM_001410698.1); c.712-1del (NM_001303465.2); c.658-1del (NM_181312.4); c.610-1del (NM_181311.4); c.568-1del (NM_181313.4).
Identifiers: ClinVar variation 2760683 (VCV002760683.3), dbSNP rs2522996339, ClinGen allele CA2697544787.

ClinVar aggregate classification (germline): Likely pathogenic (1 of 4 stars; one submission).

Conditions:
3-Methylglutaconic aciduria type 2 (BTHS). Also called: CARDIOSKELETAL MYOPATHY WITH NEUTROPENIA AND ABNORMAL MITOCHONDRIA; Barth syndrome. Identifiers: Orphanet 111, MedGen C0574083, MONDO:0010543, OMIM 302060.

Submission:

Labcorp Genetics (formerly Invitae), Labcorp
Classification: Likely pathogenic for 3-Methylglutaconic aciduria type 2. Last evaluated: 2023-12-11. Review status: criteria provided, single submitter. Criteria: Invitae Variant Classification Sherloc (09022015). Collection method: clinical testing. Allele origin: germline.
Comment: This sequence change affects a splice site in intron 9 of the TAZ gene. It is expected to disrupt RNA splicing. Variants that disrupt the donor or acceptor splice site typically lead to a loss of protein function (PMID: 16199547), and loss-of-function variants in TAZ are known to be pathogenic (PMID: 16427346, 22382802, 23409742). This variant is not present in population databases (gnomAD no frequency). This variant has not been reported in the literature in individuals affected with TAZ-related conditions. Algorithms developed to predict the effect of sequence changes on RNA splicing suggest that this variant may disrupt the consensus splice site. In summary, the currently available evidence indicates that the variant is pathogenic, but additional data are needed to prove that conclusively. Therefore, this variant has been classified as Likely Pathogenic.

Literature cited by the submitters: PubMed 16199547; PubMed 16427346; PubMed 22382802; PubMed 23409742.